The following is an entry in ClinVar:

NM_004958.4(MTOR):c.5345A>G (p.His1782Arg)

Gene: MTOR (mechanistic target of rapamycin kinase; minus strand). Cytogenetic location: 1p36.22.
Variant type: single nucleotide variant.
Coding change: c.5345A>G on transcript NM_004958.4 (MANE Select); coding-DNA position 5345, A replaced by G.
Protein change: p.His1782Arg; replaces histidine 1782 with arginine.
Molecular consequence: missense variant.
Genome position (GRCh38, 1-based): chr1:11,133,099, T>C on the plus strand (A>G on the coding strand, the complement: MTOR is on the minus strand). VCF-style: chr1-11133099-T-C. GRCh37 (hg19) VCF-style: chr1-11193156-T-C.
Other names: short protein forms H1782R.
Identifiers: ClinVar variation 850869 (VCV000850869.13), dbSNP rs767448054, ClinGen allele CA589372.

ClinVar aggregate classification (germline): Uncertain significance. Review status: criteria provided, single submitter (1 of 4 stars). 2 submissions from 2 submitters: Uncertain significance (1). 1 of the submissions does not count toward it. Last evaluated 2025-10-16.

Conditions:
Abnormality of the skeletal system. Identifiers: MedGen C4021790, HP:0000924.
Abnormal facial shape. Also called: Dysmorphic facial features; Dysmorphic facies. Identifiers: MedGen C0424503, HP:0001999.
Macrocephaly. Also called: large head; Macrocephalus. Identifiers: MedGen C2243051, HP:0000256.

Allele frequency attached by ClinVar (database versions not stated): ExAC 0.00001; gnomAD 0.00001; gnomAD exomes 0.00001 and below 0.00001; TOPMed below 0.00001.
gnomAD v4.1: 18 of 1,614,062 alleles (0.0011%); highest among the groups gnomAD compares: Non-Finnish European, 0.0015%; no homozygotes.

Submissions (2):

Labcorp Genetics (formerly Invitae), Labcorp
Classification: Uncertain significance. Last evaluated: 2025-10-16. Review status: criteria provided, single submitter. Criteria: Invitae Variant Classification Sherloc (09022015). Collection method: clinical testing. Allele origin: germline.
Comment: This sequence change replaces histidine, which is basic and polar, with arginine, which is basic and polar, at codon 1782 of the MTOR protein (p.His1782Arg). This variant is present in population databases (rs767448054, gnomAD 0.0009%). This missense change has been observed in individual(s) with congenital hydrocephalus (PMID: 33077954). ClinVar contains an entry for this variant (Variation ID: 850869). Invitae Evidence Modeling of protein sequence and biophysical properties (such as structural, functional, and spatial information, amino acid conservation, physicochemical variation, residue mobility, and thermodynamic stability) indicates that this missense variant is not expected to disrupt MTOR protein function with a negative predictive value of 95%. In summary, the available evidence is currently insufficient to determine the role of this variant in disease. Therefore, it has been classified as a Variant of Uncertain Significance.

Yale Center for Mendelian Genomics, Yale University
Classification: Uncertain significance for Macrocephaly; Abnormal facial shape; Abnormality of the skeletal system. Last evaluated: 2020-10-19. Review status: no assertion criteria provided. Collection method: literature only. Allele origin: inherited. Affected: yes. Observed: 1 heterozygote. Study: Yale Center for Mendelian Genomics. Not counted in ClinVar's aggregate classification.

Literature cited by the submitters: PubMed 33077954 (cited by Labcorp Genetics (formerly Invitae), Labcorp and Yale Center for Mendelian Genomics, Yale University).